The following is an entry in ClinVar:

NM_018699.4(PRDM5):c.1532A>G (p.His511Arg)

Gene: PRDM5 (PR/SET domain 5; minus strand). Cytogenetic location: 4q27.
Variant type: single nucleotide variant.
Coding change: c.1532A>G on transcript NM_018699.4 (MANE Select); coding-DNA position 1532, A replaced by G.
Protein change: p.His511Arg; replaces histidine 511 with arginine.
Molecular consequence: missense variant.
Genome position (GRCh38, 1-based): chr4:120,777,193, T>C on the plus strand (A>G on the coding strand, the complement: PRDM5 is on the minus strand). VCF-style: chr4-120777193-T-C. GRCh37 (hg19) VCF-style: chr4-121698348-T-C.
Other names: c.1439A>G, p.His480Arg (NM_001300823.2, NM_001300824.2, NM_001379106.1); c.1565A>G, p.His522Arg (NM_001379104.1); short protein forms H480R, H522R, H511R.
Identifiers: ClinVar variation 4614741 (VCV004614741.1).
Genomic context (GRCh38, chr4:120,777,193, plus strand): 5'-AAGCATGTGATTTCTCTAAGTGGTTTTTTCACTAGTCTAATTACAATCTCCATACCTGTG[T>C]GGCTCCGGATATGAACTCTGAGTGTACCACTGCTGGCAAATTTCTGGCCACAATATGGAC-3'
Protein context (NP_061169.2, residues 501-521): SGTLRVHIRS[His511Arg]TGERPYQCPY

ClinVar aggregate classification (germline): Uncertain significance (1 of 4 stars; one submission).

Conditions:
Cardiovascular phenotype. Identifiers: MedGen CN230736.

gnomAD v4.1: 2 of 1,613,280 alleles (0.00012%); highest among the groups gnomAD compares: Non-Finnish European, 0.00017%; no homozygotes.

Submission:

Ambry Genetics
Classification: Uncertain significance for Cardiovascular phenotype. Last evaluated: 2025-09-21. Review status: criteria provided, single submitter. Criteria: Ambry Variant Classification Scheme 2023. Collection method: clinical testing. Allele origin: germline.
Comment: The p.H511R variant (also known as c.1532A>G), located in coding exon 13 of the PRDM5 gene, results from an A to G substitution at nucleotide position 1532. The histidine at codon 511 is replaced by arginine, an amino acid with highly similar properties. This amino acid position is conserved. In addition, this alteration is predicted to be deleterious by in silico analysis. Based on the available evidence, the clinical significance of this variant remains unclear.